The following is an entry in ClinVar:

ClinVar aggregate classification (germline): Uncertain significance. Review status: criteria provided, multiple submitters, no conflicts (2 of 4 stars). 4 submissions from 4 submitters: Uncertain significance (4). Last evaluated 2025-04-25.

Conditions:
Inborn genetic diseases. Identifiers: MedGen C0950123, MeSH D030342.
LRBA-related disorder. Also called: LRBA-related condition.
Combined immunodeficiency due to LRBA deficiency. Also called: Common variable immunodeficiency 8, with autoimmunity. Identifiers: Orphanet 445018, MedGen C3553512, MONDO:0013863, OMIM 614700.

Allele frequency attached by ClinVar (database versions not stated): gnomAD 0.00001; ExAC 0.00002; TOPMed 0.00003.
gnomAD v4.1: 21 of 1,614,030 alleles (0.0013%); highest among the groups gnomAD compares: Admixed American, 0.013%; no homozygotes.

Submissions (4):

PreventionGenetics, part of Exact Sciences
Classification: Uncertain significance for LRBA-related condition. Last evaluated: 2025-04-25. Review status: criteria provided, single submitter. Criteria: ACMG Guidelines, 2015. Collection method: clinical testing. Allele origin: germline.
Comment: The LRBA c.3691A>G variant is predicted to result in the amino acid substitution p.Ser1231Gly. To our knowledge, this variant has not been reported in the literature. This variant is reported in 0.020% of alleles in individuals of Latino descent in gnomAD. At this time, the clinical significance of this variant is uncertain due to the absence of conclusive functional and genetic evidence.

Ambry Genetics
Classification: Uncertain significance for Inborn genetic diseases. Last evaluated: 2024-11-10. Review status: criteria provided, single submitter. Criteria: Ambry Variant Classification Scheme 2023. Collection method: clinical testing. Allele origin: germline.

Labcorp Genetics (formerly Invitae), Labcorp
Classification: Uncertain significance for Combined immunodeficiency due to LRBA deficiency. Last evaluated: 2023-12-01. Review status: criteria provided, single submitter. Criteria: Invitae Variant Classification Sherloc (09022015). Collection method: clinical testing. Allele origin: germline.
Comment: This sequence change replaces serine, which is neutral and polar, with glycine, which is neutral and non-polar, at codon 1231 of the LRBA protein (p.Ser1231Gly). This variant is present in population databases (rs749012995, gnomAD 0.02%). This variant has not been reported in the literature in individuals affected with LRBA-related conditions. ClinVar contains an entry for this variant (Variation ID: 581781). An algorithm developed to predict the effect of missense changes on protein structure and function (PolyPhen-2) suggests that this variant¬†is likely to be tolerated. In summary, the available evidence is currently insufficient to determine the role of this variant in disease. Therefore, it has been classified as a Variant of Uncertain Significance.

Fulgent Genetics
Classification: Uncertain significance for Combined immunodeficiency due to LRBA deficiency. Last evaluated: 2022-04-25. Review status: criteria provided, single submitter. Criteria: ACMG Guidelines, 2015. Collection method: clinical testing. Allele origin: unknown.

NM_001364905.1(LRBA):c.3691A>G (p.Ser1231Gly)

Gene: LRBA (LPS responsive beige-like anchor protein; minus strand). Cytogenetic location: 4q31.3.
Variant type: single nucleotide variant.
Coding change: c.3691A>G on transcript NM_001364905.1 (MANE Select); coding-DNA position 3691, A replaced by G.
Protein change: p.Ser1231Gly; replaces serine 1231 with glycine.
Molecular consequence: missense variant.
Genome position (GRCh38, 1-based): chr4:150,852,019, T>C on the plus strand (A>G on the coding strand, the complement: LRBA is on the minus strand). VCF-style: chr4-150852019-T-C. GRCh37 (hg19) VCF-style: chr4-151773171-T-C.
Other names: c.3691A>G, p.Ser1231Gly (NM_001199282.3, NM_001367550.1, NM_006726.5); short protein forms S1231G.
Identifiers: ClinVar variation 581781 (VCV000581781.14), dbSNP rs749012995, ClinGen allele CA3103005.